The following is an entry in ClinVar:

NM_001330311.2(DVL1):c.1583C>T (p.Pro528Leu)

Gene: DVL1 (dishevelled segment polarity protein 1; minus strand). Cytogenetic location: 1p36.33.
Variant type: single nucleotide variant.
Coding change: c.1583C>T on transcript NM_001330311.2 (MANE Select); coding-DNA position 1583, C replaced by T.
Protein change: p.Pro528Leu; replaces proline 528 with leucine.
Molecular consequence: missense variant.
Genome position (GRCh38, 1-based): chr1:1,338,108, G>A on the plus strand (C>T on the coding strand, the complement: DVL1 is on the minus strand). VCF-style: chr1-1338108-G-A. GRCh37 (hg19) VCF-style: chr1-1273488-G-A.
Other names: c.1508C>T, p.Pro503Leu (NM_004421.3); short protein forms P503L, P528L.
Identifiers: ClinVar variation 1589334 (VCV001589334.11), dbSNP rs780834416, ClinGen allele CA519994.
Genomic context (GRCh38, chr1:1,338,108, plus strand): 5'-CAGGGTGGGGGTCCCGGGTACTGGTAGGGGTAGCCCTGACCCAGAGGCCAGGGGGCAGCC[G>A]GGTGGGGCAGCGGGGCCAGCGTGTCCTGATCCGAAGTCCCACTGGAGCCACTGTTGAGGT-3'
Protein context (NP_001317240.1, residues 518-538): DQDTLAPLPH[Pro528Leu]AAPWPLGQGY

ClinVar aggregate classification (germline): Conflicting classifications of pathogenicity. Review status: criteria provided, conflicting classifications (1 of 4 stars). 3 submissions from 3 submitters: Uncertain significance (1); Likely benign (2). Last evaluated 2025-11-12.

Allele frequency attached by ClinVar (database versions not stated): gnomAD exomes 0.00003 and 0.00006; gnomAD 0.00002; TOPMed 0.00003; ExAC 0.00004.
gnomAD v4.1: 42 of 1,609,660 alleles (0.0026%); highest among the groups gnomAD compares: Non-Finnish European, 0.0031%; no homozygotes.

Submissions (3):

Dasa
Classification: Uncertain significance. Last evaluated: 2025-11-12. Review status: criteria provided, single submitter. Criteria: DASA Assertion Criteria. Collection method: clinical testing. Allele origin: germline.
Comment: NM_001330311.2(DVL1):c.1583C>T (p.Pro528Leu) is a missense variant that results in the substitution of proline with leucine. This variant is rare in population databases. Computational prediction algorithms are consistent with a benign effect. The currently available literature and clinical evidence are not sufficient to establish a definitive association between this variant and the reported condition. Therefore, this variant is classified as a variant of uncertain significance.

Labcorp Genetics (formerly Invitae), Labcorp
Classification: Likely benign. Last evaluated: 2025-10-06. Review status: criteria provided, single submitter. Criteria: Invitae Variant Classification Sherloc (09022015). Collection method: clinical testing. Allele origin: germline.

Breakthrough Genomics
Classification: Likely benign. Review status: criteria provided, single submitter. Criteria: ACMG Guidelines, 2015. Collection method: not provided. Allele origin: germline. Inheritance: Autosomal dominant inheritance. Affected: yes.